The following is an entry in ClinVar:

ClinVar aggregate classification (germline): Benign. Review status: criteria provided, multiple submitters, no conflicts (2 of 4 stars). 7 submissions from 7 submitters: Benign (7). Last evaluated 2026-01-26.

Allele frequency attached by ClinVar (database versions not stated): gnomAD 0.01321 and 0.01326; TOPMed 0.01325; gnomAD exomes 0.01404 and 0.01811; ExAC 0.01430; ESP Exome Variant Server 0.01507; 1000 Genomes Project 30x 0.00640; 1000 Genomes Project 0.00699.
gnomAD v4.1: 28,293 of 1,614,142 alleles (1.8%); highest among the groups gnomAD compares: Middle Eastern, 2.5%; 305 homozygotes.

Submissions (7):

Labcorp Genetics (formerly Invitae), Labcorp
Classification: Benign. Last evaluated: 2026-01-26. Review status: criteria provided, single submitter. Criteria: Invitae Variant Classification Sherloc (09022015). Collection method: clinical testing. Allele origin: germline.

Mayo Clinic Laboratories, Mayo Clinic
Classification: Benign. Last evaluated: 2021-06-29. Review status: criteria provided, single submitter. Criteria: ACMG Guidelines, 2015. Collection method: clinical testing. Allele origin: germline. Observed: 20 variant alleles.

Athena Diagnostics
Classification: Benign. Last evaluated: 2018-11-19. Review status: criteria provided, single submitter. Criteria: Athena Diagnostics Criteria. Collection method: clinical testing. Allele origin: germline.

GeneDx
Classification: Benign. Last evaluated: 2018-05-07. Review status: criteria provided, single submitter. Criteria: GeneDx Variant Classification Process June 2021. Collection method: clinical testing. Allele origin: germline. Affected: yes.

Laboratory for Molecular Medicine, Mass General Brigham Personalized Medicine
Classification: Benign. Last evaluated: 2013-01-08. Review status: criteria provided, single submitter. Criteria: LMM Criteria. Collection method: clinical testing. Allele origin: germline. Observed: 22 variant alleles.
Comment: This variant is not expected to have clinical significance because it does not a lter an amino acid residue and has been identified in 2.0% (173/8600) of Europea n American chromosomes and 0.5% (23/4406) of African American chromosomes from a broad population by the NHLBI Exome Sequencing Project (n.edu/EVS; dbSNP rs140442228).

Breakthrough Genomics
Classification: Benign. Review status: criteria provided, single submitter. Criteria: ACMG Guidelines, 2015. Collection method: not provided. Allele origin: germline. Inheritance: Autosomal recessive inheritance. Affected: yes.

PreventionGenetics, part of Exact Sciences
Classification: Benign. Review status: criteria provided, single submitter. Criteria: ACMG Guidelines, 2015. Collection method: clinical testing. Allele origin: germline.

NM_004817.4(TJP2):c.2778C>T (p.Asp926=)

Gene: TJP2 (tight junction protein 2; plus strand). Cytogenetic location: 9q21.11.
Variant type: single nucleotide variant.
Coding change: c.2778C>T on transcript NM_004817.4 (MANE Select); coding-DNA position 2778, C replaced by T.
Protein change: p.Asp926=; no amino-acid change (aspartic acid 926 retained).
Molecular consequence: synonymous variant. On other transcripts: intron variant (1).
Genome position (GRCh38, 1-based): chr9:69,248,122, C>T. VCF-style: chr9-69248122-C-T. GRCh37 (hg19) VCF-style: chr9-71863038-C-T.
Other names: p.Asp926=; c.2709C>T, p.Asp903= (NM_001170414.2, NM_001369871.1); c.2790C>T, p.Asp930= (NM_001170415.1, NM_001369874.1, NM_001369875.1); c.2871C>T, p.Asp957= (NM_001170416.2); c.2703C>T, p.Asp901= (NM_001369870.1); c.2778C>T, p.Asp926= (NM_001369872.1, NM_201629.3); c.2667+1332C>T (NM_001369873.1).
Identifiers: ClinVar variation 44107 (VCV000044107.18), dbSNP rs140442228, ClinGen allele CA133588.
Genomic context (GRCh38, chr9:69,248,122, plus strand): 5'-CATGGGCGCGGACTATCTGAGTTGCGACAGCCGCCTCATCAGTGACTTTGAAGACACGGA[C>T]GGTGAAGGAGGCGCCTACACTGACAATGAGCTGGATGAGCCAGCCGAGGAGCCGCTGGTG-3'
Protein context (NP_004808.2, residues 916-936): SRLISDFEDT[Asp926=]GEGGAYTDNE